The following is an entry in ClinVar:

NM_001035.3(RYR2):c.10776C>T (p.Ser3592=)

Gene: RYR2 (ryanodine receptor 2; plus strand). Cytogenetic location: 1q43.
Variant type: single nucleotide variant.
Coding change: c.10776C>T on transcript NM_001035.3 (MANE Select); coding-DNA position 10776, C replaced by T.
Protein change: p.Ser3592=; no amino-acid change (serine 3592 retained).
Molecular consequence: synonymous variant.
Genome position (GRCh38, 1-based): chr1:237,727,137, C>T. VCF-style: chr1-237727137-C-T. GRCh37 (hg19) VCF-style: chr1-237890437-C-T.
Other names: p.Ser3592=.
Identifiers: ClinVar variation 43702 (VCV000043702.41), dbSNP rs2685301, ClinGen allele CA006769.

ClinVar aggregate classification (germline): Benign. Review status: criteria provided, multiple submitters, no conflicts (2 of 4 stars). 19 submissions from 16 submitters: Benign (17). 2 of the submissions do not count toward it. Last evaluated 2026-02-04.

Conditions:
Cardiac arrhythmia. Also called: Arrhythmia; Cardiac rhythm disease. Identifiers: MedGen C0003811, MONDO:0007263, HP:0011675.
Cardiovascular phenotype. Identifiers: MedGen CN230736.
Cardiomyopathy (CMYO). Also called: Cardiomyopathies. Identifiers: Orphanet 167848, MedGen C0878544, MONDO:0004994, HP:0001638. Inheritance: Various modes of inheritance.
Catecholaminergic polymorphic ventricular tachycardia 1. Also called: VENTRICULAR TACHYCARDIA, CATECHOLAMINERGIC POLYMORPHIC, 1, WITH OR WITHOUT ATRIAL DYSFUNCTION AND/OR DILATED CARDIOMYOPATHY; VENTRICULAR TACHYCARDIA, STRESS-INDUCED POLYMORPHIC 1; RYR2-Related Catecholaminergic Polymorphic Ventricular Tachycardia. Identifiers: Orphanet 3286, MedGen C1631597, MONDO:0011484, OMIM 604772.
Arrhythmogenic right ventricular dysplasia 2. Identifiers: MedGen C1832931.
Catecholaminergic polymorphic ventricular tachycardia (CVPT). Also called: Catecholamine-induced polymorphic ventricular tachycardia. Identifiers: Orphanet 3286, MedGen C5574922, MONDO:0017990.

Allele frequency attached by ClinVar (database versions not stated): 1000 Genomes Project 30x 0.95643; TOPMed 0.95703; gnomAD 0.95962 and 0.96233; 1000 Genomes Project 0.96026; ESP Exome Variant Server 0.96078; ExAC 0.98853; gnomAD exomes 0.99061 and 0.99617.
gnomAD v4.1: 1,595,175 of 1,606,748 alleles (99%); highest among the groups gnomAD compares: East Asian, 100%; 792,480 homozygotes.

Submissions (19):

Labcorp Genetics (formerly Invitae), Labcorp
Classification: Benign for Catecholaminergic polymorphic ventricular tachycardia 1. Last evaluated: 2026-02-04. Review status: criteria provided, single submitter. Criteria: Invitae Variant Classification Sherloc (09022015). Collection method: clinical testing. Allele origin: germline.

Molecular Diagnostic Laboratory for Inherited Cardiovascular Disease, Montreal Heart Institute
Classification: Benign. Last evaluated: 2025-04-09. Review status: criteria provided, single submitter. Criteria: ACMG Guidelines, 2015. Collection method: clinical testing. Allele origin: germline. Affected: no.

Blueprint Genetics
Classification: Benign. Last evaluated: 2024-11-26. Review status: criteria provided, single submitter. Criteria: ACMG Guidelines, 2015. Collection method: clinical testing. Allele origin: germline.

All of Us Research Program, National Institutes of Health
Classification: Benign for Catecholaminergic polymorphic ventricular tachycardia. Last evaluated: 2024-02-05. Review status: criteria provided, single submitter. Criteria: ACMG Guidelines, 2015. Collection method: clinical testing. Allele origin: germline. Inheritance: Autosomal dominant inheritance. Observed: 106,356 variant alleles, 2,034 heterozygotes, 104,322 homozygotes.
Comment: This study involves interpretation of variants in research participants for the purpose of population health screening. Participant phenotype was not available at the time of variant classification. Additional details can be found in publication PMID: 35346344, PMCID: PMC8962531

Genome-Nilou Lab
Classification: Benign for Catecholaminergic polymorphic ventricular tachycardia 1. Last evaluated: 2021-11-07. Review status: criteria provided, single submitter. Criteria: ACMG Guidelines, 2015. Collection method: clinical testing. Allele origin: germline. Affected: no.

Genome-Nilou Lab
Classification: Benign for Ventricular arrhythmias due to cardiac ryanodine receptor calcium release deficiency syndrome. Last evaluated: 2021-11-07. Review status: criteria provided, single submitter. Criteria: ACMG Guidelines, 2015. Collection method: clinical testing. Allele origin: germline. Affected: no.

Genome-Nilou Lab
Classification: Benign for Catecholaminergic polymorphic ventricular tachycardia 1. Last evaluated: 2021-11-07. Review status: criteria provided, single submitter. Criteria: ACMG Guidelines, 2015. Collection method: clinical testing. Allele origin: germline. Affected: no.

Color Diagnostics, LLC DBA Color Health
Classification: Benign for Cardiomyopathy. Last evaluated: 2018-03-15. Review status: criteria provided, single submitter. Criteria: ACMG Guidelines, 2015. Collection method: clinical testing. Allele origin: germline.

Illumina Laboratory Services, Illumina
Classification: Benign for Catecholaminergic polymorphic ventricular tachycardia 1. Last evaluated: 2018-01-12. Review status: criteria provided, single submitter. Criteria: ICSL Variant Classification Criteria 13 December 2019. Collection method: clinical testing. Allele origin: germline.
Comment: This variant was observed in the ICSL laboratory as part of a predisposition screen in an ostensibly healthy population. It had not been previously curated by ICSL or reported in the Human Gene Mutation Database (HGMD: prior to June 1st, 2018), and was therefore a candidate for classification through an automated scoring system. Utilizing variant allele frequency, disease prevalence and penetrance estimates, and inheritance mode, an automated score was calculated to assess if this variant is too frequent to cause the disease. Based on the score and internal cut-off values, a variant classified as benign is not then subjected to further curation. The score for this variant resulted in a classification of benign for this disease.

Illumina Laboratory Services, Illumina
Classification: Benign for Catecholaminergic polymorphic ventricular tachycardia 1. Last evaluated: 2018-01-12. Review status: criteria provided, single submitter. Criteria: ICSL Variant Classification Criteria 13 December 2019. Collection method: clinical testing. Allele origin: germline.
Comment: the same text as in the submission from Illumina Laboratory Services, Illumina above.

Ambry Genetics
Classification: Benign for Cardiovascular phenotype. Last evaluated: 2015-03-09. Review status: criteria provided, single submitter. Criteria: Ambry Variant Classification Scheme 2023. Collection method: clinical testing. Allele origin: germline.

GeneDx
Classification: Benign. Last evaluated: 2015-03-03. Review status: criteria provided, single submitter. Criteria: GeneDx Variant Classification Process June 2021. Collection method: clinical testing. Allele origin: germline. Affected: yes.

Eurofins Ntd Llc (ga)
Classification: Benign. Last evaluated: 2014-09-15. Review status: criteria provided, single submitter. Criteria: EGL Classification Definitions 2015. Collection method: clinical testing. Allele origin: germline. Observed: 2 variant alleles, 2 homozygotes.

Mayo Clinic Laboratories, Mayo Clinic
Classification: Benign. Last evaluated: 2014-03-07. Review status: criteria provided, single submitter. Criteria: ACMG Guidelines, 2015. Collection method: clinical testing. Allele origin: germline. Observed: 1,305 variant alleles.

Laboratory for Molecular Medicine, Mass General Brigham Personalized Medicine
Classification: Benign. Last evaluated: 2011-09-16. Review status: criteria provided, single submitter. Criteria: LMM Criteria. Collection method: clinical testing. Allele origin: germline. Observed: 1,806 variant alleles.

Breakthrough Genomics
Classification: Benign. Review status: criteria provided, single submitter. Criteria: ACMG Guidelines, 2015. Collection method: not provided. Allele origin: germline. Inheritance: Autosomal dominant inheritance. Affected: yes.

PreventionGenetics, part of Exact Sciences
Classification: Benign. Review status: criteria provided, single submitter. Criteria: ACMG Guidelines, 2015. Collection method: clinical testing. Allele origin: germline.

Clinical Genetics, Academic Medical Center
Classification: Benign. Review status: no assertion criteria provided. Collection method: clinical testing. Allele origin: germline. Affected: yes. Study: VKGL Data-share Consensus. Not counted in ClinVar's aggregate classification.

Diagnostic Laboratory, Department of Genetics, University Medical Center Groningen
Classification: Benign. Review status: no assertion criteria provided. Collection method: clinical testing. Allele origin: germline. Affected: yes. Study: VKGL Data-share Consensus. Not counted in ClinVar's aggregate classification.